The following is an entry in ClinVar:

ClinVar aggregate classification (germline): Likely pathogenic (1 of 4 stars; one submission).

Conditions:
Cerebellar ataxia, impaired intellectual development, and dysequilibrium syndrome 2. Also called: Cerebellar ataxia, intellectual disability, and dysequilibrium syndrome 2; CEREBELLAR ATAXIA, MENTAL RETARDATION, AND DYSEQUILIBRIUM SYNDROME 2; CEREBELLAR ATAXIA AND MENTAL RETARDATION WITH OR WITHOUT QUADRUPEDAL LOCOMOTION 2. Identifiers: Orphanet 1766, MedGen C2750234, MONDO:0012430, OMIM 610185.

Allele frequency attached by ClinVar (database versions not stated): gnomAD exomes 0.00001 and 0.00003; TOPMed 0.00003; gnomAD 0.00001.

Submission:

Women's Health and Genetics/Laboratory Corporation of America, LabCorp
Classification: Likely pathogenic for Cerebellar ataxia, impaired intellectual development, and dysequilibrium syndrome 2. Last evaluated: 2022-05-13. Review status: criteria provided, single submitter. Criteria: LabCorp Variant Classification Summary - May 2015. Collection method: clinical testing. Allele origin: germline.
Comment: Variant summary: WDR81 c.1358dupA (p.Tyr453X) results in a premature termination codon, predicted to cause a truncation of the encoded protein or absence of the protein due to nonsense mediated decay, which are commonly known mechanisms for disease. Truncations downstream of this position have been classified as pathogenic by our laboratory. The variant allele was found at a frequency of 1.3e-05 in 152652 control chromosomes. c.1358dupA has been reported in the literature in individuals affected with Cerebellar Ataxia, Intellectual Disability, And Dysequilibrium Syndrome 2. These data indicate that the variant may be associated with disease. To our knowledge, no experimental evidence demonstrating an impact on protein function has been reported. No clinical diagnostic laboratories have submitted clinical-significance assessments for this variant to ClinVar after 2014. Based on the evidence outlined above, the variant was classified as likely pathogenic.

Literature cited by the submitters: PubMed 28969387.

NM_001163809.2(WDR81):c.1358dup (p.Tyr453Ter)

Gene: WDR81 (WD repeat domain 81; plus strand). Cytogenetic location: 17p13.3.
Variant type: Duplication.
Coding change: c.1358dup on transcript NM_001163809.2 (MANE Select); coding-DNA position 1358, one base duplicated (A; older notation c.1358dupA).
Protein change: p.Tyr453Ter; replaces tyrosine 453 with a stop codon.
Molecular consequence: nonsense. On other transcripts: intron variant (3).
Genome position (GRCh38, 1-based): chr17:1,726,317, A duplicated. VCF-style (leftmost placement, unchanged base first): chr17-1726316-T-TA. GRCh37 (hg19) VCF-style: chr17-1629610-T-TA.
Other names: c.-123-1673dup (NM_152348.4); c.59-4063dup (NM_001163673.2); c.-15+1531dup (NM_001163811.2); short protein forms Y453*.
Identifiers: ClinVar variation 1696176 (VCV001696176.1), dbSNP rs1194329020, ClinGen allele CA624565444.